The following is an entry in ClinVar:

ClinVar aggregate classification (germline): Uncertain significance (1 of 4 stars; one submission).

Conditions:
Autosomal recessive early-onset Parkinson disease 23. Identifiers: Orphanet 2828, MedGen C4225186, MONDO:0014796, OMIM 616840.

gnomAD v4.1: 7 of 1,599,026 alleles (0.00044%); highest among the groups gnomAD compares: Non-Finnish European, 0.00051%; no homozygotes.

Submission:

Dasa
Classification: Uncertain significance for Autosomal recessive early-onset Parkinson disease 23. Last evaluated: 2025-11-23. Review status: criteria provided, single submitter. Criteria: DASA Assertion Criteria. Collection method: clinical testing. Allele origin: germline.
Comment: NM_020821.3(VPS13C):c.9961A>G (p.Ile3321Val) is a missense variant that results in the substitution of isoleucine with valine. This variant is rare in population databases. Computational prediction algorithms are consistent with a deleterious effect. The currently available literature and clinical evidence are not sufficient to establish a definitive association between this variant and the reported condition. Therefore, this variant is classified as a variant of uncertain significance.

NM_020821.3(VPS13C):c.9961A>G (p.Ile3321Val)

Gene: VPS13C (vacuolar protein sorting 13 homolog C; minus strand). Cytogenetic location: 15q22.2.
Variant type: single nucleotide variant.
Coding change: c.9961A>G on transcript NM_020821.3 (MANE Select); coding-DNA position 9961, A replaced by G.
Protein change: p.Ile3321Val; replaces isoleucine 3321 with valine.
Molecular consequence: missense variant.
Genome position (GRCh38, 1-based): chr15:61,880,650, T>C on the plus strand (A>G on the coding strand, the complement: VPS13C is on the minus strand). VCF-style: chr15-61880650-T-C. GRCh37 (hg19) VCF-style: chr15-62172849-T-C.
Other names: c.9961A>G, p.Ile3321Val (NM_001018088.3); c.9832A>G, p.Ile3278Val (NM_017684.5, NM_018080.4); short protein forms I3278V, I3321V.
Identifiers: ClinVar variation 4883121 (VCV004883121.2).